The following is an entry in ClinVar:

ClinVar aggregate classification (germline): Conflicting classifications of pathogenicity. Review status: criteria provided, conflicting classifications (1 of 4 stars). 6 submissions from 6 submitters: Uncertain significance (5); Likely benign (1). Last evaluated 2025-12-24.

Conditions:
Facial dysmorphism-immunodeficiency-livedo-short stature syndrome. Also called: Facial dysmorphism, immunodeficiency, livedo, and short stature; FILS syndrome. Identifiers: Orphanet 352712, MedGen C3554576, MONDO:0014058, OMIM 615139.
Colorectal cancer, susceptibility to, 12 (CRCS12). Also called: COLORECTAL CANCER, SUSCEPTIBILITY TO, ON CHROMOSOME 12q24. Identifiers: Orphanet 220460, MedGen C3554460, MONDO:0014038, OMIM 615083.
Hereditary cancer-predisposing syndrome. Also called: Hereditary neoplastic syndrome; Neoplastic Syndromes, Hereditary; Tumor predisposition; Hereditary Cancer Syndrome. Identifiers: Orphanet 140162, MedGen C0027672, MeSH D009386, MONDO:0015356.

Allele frequency attached by ClinVar (database versions not stated): ExAC 0.00001; gnomAD exomes 0.00003; gnomAD 0.00007; TOPMed 0.00008.
gnomAD v4.1: 56 of 1,614,064 alleles (0.0035%); highest among the groups gnomAD compares: African/African-American, 0.019%; no homozygotes.

Submissions (6):

Labcorp Genetics (formerly Invitae), Labcorp
Classification: Uncertain significance. Last evaluated: 2025-12-24. Review status: criteria provided, single submitter. Criteria: Invitae Variant Classification Sherloc (09022015). Collection method: clinical testing. Allele origin: germline.
Comment: This sequence change replaces arginine, which is basic and polar, with histidine, which is basic and polar, at codon 1077 of the POLE protein (p.Arg1077His). This variant is present in population databases (rs768950975, gnomAD 0.02%). This variant has not been reported in the literature in individuals affected with POLE-related conditions. ClinVar contains an entry for this variant (Variation ID: 246318). Invitae Evidence Modeling of protein sequence and biophysical properties (such as structural, functional, and spatial information, amino acid conservation, physicochemical variation, residue mobility, and thermodynamic stability) indicates that this missense variant is not expected to disrupt POLE protein function with a negative predictive value of 80%. In summary, the available evidence is currently insufficient to determine the role of this variant in disease. Therefore, it has been classified as a Variant of Uncertain Significance.

Ambry Genetics
Classification: Uncertain significance for Hereditary cancer-predisposing syndrome. Last evaluated: 2024-12-10. Review status: criteria provided, single submitter. Criteria: Ambry Variant Classification Scheme 2023. Collection method: clinical testing. Allele origin: germline.
Comment: The p.R1077H variant (also known as c.3230G>A), located in coding exon 26 of the POLE gene, results from a G to A substitution at nucleotide position 3230. The arginine at codon 1077 is replaced by histidine, an amino acid with highly similar properties. This amino acid position is highly conserved in available vertebrate species. In addition, the in silico prediction for this alteration is inconclusive. Based on the available evidence, the clinical significance of this variant remains unclear.

GeneDx
Classification: Uncertain significance. Last evaluated: 2024-05-28. Review status: criteria provided, single submitter. Criteria: GeneDx Variant Classification Process June 2021. Collection method: clinical testing. Allele origin: germline. Affected: yes.
Comment: In silico analysis supports that this missense variant has a deleterious effect on protein structure/function; Observed in an individual with gastrointestinal cancer (PMID: 34326862); This variant is associated with the following publications: (PMID: 34326862)

Sema4
Classification: Likely benign for Hereditary cancer-predisposing syndrome. Last evaluated: 2020-10-23. Review status: criteria provided, single submitter. Criteria: Sema4 Curation Guidelines. Collection method: curation. Allele origin: germline.

Fulgent Genetics
Classification: Uncertain significance for Colorectal cancer, susceptibility to, 12; Facial dysmorphism-immunodeficiency-livedo-short stature syndrome. Last evaluated: 2018-10-31. Review status: criteria provided, single submitter. Criteria: ACMG Guidelines, 2015. Collection method: clinical testing. Allele origin: unknown.

Quest Diagnostics Nichols Institute San Juan Capistrano
Classification: Uncertain significance. Last evaluated: 2017-05-31. Review status: criteria provided, single submitter. Criteria: Quest Diagnostics criteria. Collection method: clinical testing. Allele origin: germline.

NM_006231.4(POLE):c.3230G>A (p.Arg1077His)

Gene: POLE (DNA polymerase epsilon, catalytic subunit; minus strand). Cytogenetic location: 12q24.33.
Variant type: single nucleotide variant.
Coding change: c.3230G>A on transcript NM_006231.4 (MANE Select); coding-DNA position 3230, G replaced by A.
Protein change: p.Arg1077His; replaces arginine 1077 with histidine.
Molecular consequence: missense variant.
Genome position (GRCh38, 1-based): chr12:132,659,340, C>T on the plus strand (G>A on the coding strand, the complement: POLE is on the minus strand). VCF-style: chr12-132659340-C-T. GRCh37 (hg19) VCF-style: chr12-133235926-C-T.
Other names: short protein forms R1077H.
Identifiers: ClinVar variation 246318 (VCV000246318.22), dbSNP rs768950975, ClinGen allele CA6893334.
Genomic context (GRCh38, chr12:132,659,340, plus strand): 5'-GGGGGGAGCCCTCACCTCTCCGTGACAGGGGAGCCCTCGGGCTTGCGGGAGATGATGTAG[C>T]GGCAACTCAGCCCTGCATCCTTGACCATCTGGTCTCCCAGGAACTCGGCCAGGCGCTTTG-3'
Protein context (NP_006222.2, residues 1067-1087): QMVKDAGLSC[Arg1077His]YIISRKPEGS